The following is an entry in ClinVar:

NM_013275.6(ANKRD11):c.6772G>C (p.Ala2258Pro)

Gene: ANKRD11 (ankyrin repeat domain 11; minus strand). Cytogenetic location: 16q24.3.
Variant type: single nucleotide variant.
Coding change: c.6772G>C on transcript NM_013275.6 (MANE Select); coding-DNA position 6772, G replaced by C.
Protein change: p.Ala2258Pro; replaces alanine 2258 with proline.
Molecular consequence: missense variant.
Genome position (GRCh38, 1-based): chr16:89,279,770, C>G on the plus strand (G>C on the coding strand, the complement: ANKRD11 is on the minus strand). VCF-style: chr16-89279770-C-G. GRCh37 (hg19) VCF-style: chr16-89346178-C-G.
Other names: c.6772G>C, p.Ala2258Pro (NM_001256182.2, NM_001256183.2); short protein forms A2258P.
Identifiers: ClinVar variation 4703222 (VCV004703222.1).

ClinVar aggregate classification (germline): Uncertain significance (1 of 4 stars; one submission).

Conditions:
KBG syndrome (KBGS). Also called: ANKRD11-Related KBG Syndrome. Identifiers: Orphanet 2332, MedGen C0220687, MONDO:0007846, OMIM 148050.

Submission:

Labcorp Genetics (formerly Invitae), Labcorp
Classification: Uncertain significance for KBG syndrome. Last evaluated: 2025-05-18. Review status: criteria provided, single submitter. Criteria: Invitae Variant Classification Sherloc (09022015). Collection method: clinical testing. Allele origin: germline.
Comment: This sequence change replaces alanine, which is neutral and non-polar, with proline, which is neutral and non-polar, at codon 2258 of the ANKRD11 protein (p.Ala2258Pro). This variant is not present in population databases (gnomAD no frequency). This variant has not been reported in the literature in individuals affected with ANKRD11-related conditions. Invitae Evidence Modeling of protein sequence and biophysical properties (such as structural, functional, and spatial information, amino acid conservation, physicochemical variation, residue mobility, and thermodynamic stability) indicates that this missense variant is not expected to disrupt ANKRD11 protein function with a negative predictive value of 95%. In summary, the available evidence is currently insufficient to determine the role of this variant in disease. Therefore, it has been classified as a Variant of Uncertain Significance.